The following is an entry in ClinVar:

ClinVar aggregate classification (germline): Uncertain significance (1 of 4 stars; one submission).

Conditions:
GM3 synthase deficiency (SPDRS). Also called: SALT AND PEPPER DEVELOPMENTAL REGRESSION SYNDROME; AMISH INFANTILE EPILEPSY SYNDROME; SALT AND PEPPER MENTAL RETARDATION SYNDROME. Identifiers: Orphanet 171714, Orphanet 370933, MedGen C1836824, MONDO:0018274, OMIM 609056.

Allele frequency attached by ClinVar (database versions not stated): ExAC 0.00005; TOPMed 0.00006; gnomAD 0.00008 and 0.00009; ESP Exome Variant Server 0.00023.
gnomAD v4.1: 98 of 1,614,008 alleles (0.0061%); highest among the groups gnomAD compares: Middle Eastern, 0.033%; no homozygotes.

Submission:

Labcorp Genetics (formerly Invitae), Labcorp
Classification: Uncertain significance for GM3 synthase deficiency. Last evaluated: 2022-09-27. Review status: criteria provided, single submitter. Criteria: Invitae Variant Classification Sherloc (09022015). Collection method: clinical testing. Allele origin: germline.
Comment: This sequence change replaces aspartic acid, which is acidic and polar, with asparagine, which is neutral and polar, at codon 376 of the ST3GAL5 protein (p.Asp376Asn). This variant is present in population databases (rs147305893, gnomAD 0.008%). This variant has not been reported in the literature in individuals affected with ST3GAL5-related conditions. ClinVar contains an entry for this variant (Variation ID: 464396). Advanced modeling of protein sequence and biophysical properties (such as structural, functional, and spatial information, amino acid conservation, physicochemical variation, residue mobility, and thermodynamic stability) performed at Invitae indicates that this missense variant is not expected to disrupt ST3GAL5 protein function. In summary, the available evidence is currently insufficient to determine the role of this variant in disease. Therefore, it has been classified as a Variant of Uncertain Significance.

NM_003896.4(ST3GAL5):c.1126G>A (p.Asp376Asn)

Gene: ST3GAL5 (ST3 beta-galactoside alpha-2,3-sialyltransferase 5; minus strand). Cytogenetic location: 2p11.2.
Variant type: single nucleotide variant.
Coding change: c.1126G>A on transcript NM_003896.4 (MANE Select); coding-DNA position 1126, G replaced by A.
Protein change: p.Asp376Asn; replaces aspartic acid 376 with asparagine.
Molecular consequence: missense variant.
Genome position (GRCh38, 1-based): chr2:85,840,275, C>T on the plus strand (G>A on the coding strand, the complement: ST3GAL5 is on the minus strand). VCF-style: chr2-85840275-C-T. GRCh37 (hg19) VCF-style: chr2-86067398-C-T.
Other names: c.1057G>A, p.Asp353Asn (NM_001042437.2); c.742G>A, p.Asp248Asn (NM_001354223.2, NM_001354224.2, NM_001354226.2 and 3 more transcripts); c.1042G>A, p.Asp348Asn (NM_001354227.2, NM_001354229.2, NM_001354238.1); c.403G>A, p.Asp135Asn (NM_001354247.1); c.967G>A, p.Asp323Asn (NM_001363847.1); short protein forms D376N, D135N, D348N, D323N, D248N, D353N.
Identifiers: ClinVar variation 464396 (VCV000464396.6), dbSNP rs147305893, ClinGen allele CA1744882.